The following is an entry in ClinVar:

NM_138927.4(SON):c.3065G>A (p.Arg1022Gln)

Gene: SON (SON DNA and RNA binding protein; plus strand). Cytogenetic location: 21q22.11.
Variant type: single nucleotide variant.
Coding change: c.3065G>A on transcript NM_138927.4 (MANE Select); coding-DNA position 3065, G replaced by A.
Protein change: p.Arg1022Gln; replaces arginine 1022 with glutamine.
Molecular consequence: missense variant. On other transcripts: non-coding transcript variant (1), intron variant (1).
Genome position (GRCh38, 1-based): chr21:33,552,296, G>A. VCF-style: chr21-33552296-G-A. GRCh37 (hg19) VCF-style: chr21-34924602-G-A.
Other names: c.3065G>A, p.Arg1022Gln (NM_001291411.2, NM_032195.3); c.245-4860G>A (NM_001291412.3); short protein forms R1022Q.
Identifiers: ClinVar variation 452753 (VCV000452753.6), dbSNP rs1170013947, ClinGen allele CA410159376.

ClinVar aggregate classification (germline): Uncertain significance. Review status: criteria provided, multiple submitters, no conflicts (2 of 4 stars). 2 submissions from 2 submitters: Uncertain significance (2). Last evaluated 2022-05-13.

Allele frequency attached by ClinVar (database versions not stated): gnomAD 0.00001 and 0.00002; gnomAD exomes 0.00001; TOPMed 0.00001.
gnomAD v4.1: 9 of 1,613,894 alleles (0.00056%); highest among the groups gnomAD compares: East Asian, 0.0022%; no homozygotes.

Submissions (2):

Labcorp Genetics (formerly Invitae), Labcorp
Classification: Uncertain significance. Last evaluated: 2022-05-13. Review status: criteria provided, single submitter. Criteria: Invitae Variant Classification Sherloc (09022015). Collection method: clinical testing. Allele origin: germline.
Comment: In summary, the available evidence is currently insufficient to determine the role of this variant in disease. Therefore, it has been classified as a Variant of Uncertain Significance. Algorithms developed to predict the effect of missense changes on protein structure and function are either unavailable or do not agree on the potential impact of this missense change (SIFT: "Deleterious"; PolyPhen-2: "Probably Damaging"; Align-GVGD: "Class C0"). ClinVar contains an entry for this variant (Variation ID: 452753). This variant has not been reported in the literature in individuals affected with SON-related conditions. This variant is not present in population databases (gnomAD no frequency). This sequence change replaces arginine, which is basic and polar, with glutamine, which is neutral and polar, at codon 1022 of the SON protein (p.Arg1022Gln).

GeneDx
Classification: Uncertain significance. Last evaluated: 2017-10-10. Review status: criteria provided, single submitter. Criteria: GeneDx Variant Classification (06012015). Collection method: clinical testing. Allele origin: germline. Affected: yes.
Comment: The R1022Q variant in the SON gene has not been reported previously as a pathogenic variant, nor as a benign variant, to our knowledge. The R1022Q variant is not observed in large population cohorts (Lek et al., 2016). The R1022Q variant is a semi-conservative amino acid substitution, which may impact secondary protein structure as these residues differ in some properties. This substitution occurs at a position that is conserved in mammals. In silico analysis is inconsistent in its predictions as to whether or not the variant is damaging to the protein structure/function. We interpret R1022Q as a variant of uncertain significance.